The following is an entry in ClinVar:

NM_020975.6(RET):c.2025C>G (p.Thr675=)

Gene: RET (ret proto-oncogene; plus strand). Cytogenetic location: 10q11.21.
Variant type: single nucleotide variant.
Coding change: c.2025C>G on transcript NM_020975.6 (MANE Select); coding-DNA position 2025, C replaced by G.
Protein change: p.Thr675=; no amino-acid change (threonine 675 retained).
Molecular consequence: synonymous variant.
Genome position (GRCh38, 1-based): chr10:43,114,625, C>G. VCF-style: chr10-43114625-C-G. GRCh37 (hg19) VCF-style: chr10-43610073-C-G.
Other names: c.2025C>G, p.Thr675= (NM_000323.2, NM_001406743.1, NM_001406744.1 and 4 more transcripts); c.1263C>G, p.Thr421= (NM_001355216.2); c.1896C>G, p.Thr632= (NM_001406761.1, NM_001406762.1, NM_001406764.1); c.1890C>G, p.Thr630= (NM_001406763.1, NM_001406765.1); c.1737C>G, p.Thr579= (NM_001406766.1, NM_001406767.1, NM_001406770.1); c.1761C>G, p.Thr587= (NM_001406768.1); c.1629C>G, p.Thr543= (NM_001406769.1, NM_001406772.1); c.1587C>G, p.Thr529= (NM_001406771.1, NM_001406773.1); and 10 more.
Identifiers: ClinVar variation 1784634 (VCV001784634.3), dbSNP rs2132850672, ClinGen allele CA469479872.
Genomic context (GRCh38, chr10:43,114,625, plus strand): 5'-CTGCATCCACTGCTACCACAAGTTTGCCCACAAGCCACCCATCTCCTCAGCTGAGATGAC[C>G]TTCCGGAGGCCCGCCCAGGCCTTCCCGGTCAGCTACTCCTCTTCCGGTGCCCGCCGGCCC-3'
Protein context (NP_066124.1, residues 665-685): HKPPISSAEM[Thr675=]FRRPAQAFPV

ClinVar aggregate classification (germline): Benign/Likely benign. Review status: criteria provided, multiple submitters, no conflicts (2 of 4 stars). 2 submissions from 2 submitters: Benign (1); Likely benign (1). Last evaluated 2025-02-26.

Conditions:
Hereditary cancer-predisposing syndrome. Also called: Neoplastic Syndromes, Hereditary; Tumor predisposition; Hereditary Cancer Syndrome; Hereditary neoplastic syndrome. Identifiers: Orphanet 140162, MedGen C0027672, MeSH D009386, MONDO:0015356.
Multiple endocrine neoplasia type 2A. Also called: MULTIPLE ENDOCRINE NEOPLASIA, TYPE IIA; PTC SYNDROME; SIPPLE SYNDROME; MEN 2A; MEN-2A syndrome; Pheochromocytoma and amyloid producing medullary thyroid carcinoma. Identifiers: Orphanet 247698, Orphanet 653, MedGen C0025268, MeSH D018813, MONDO:0008234, OMIM 171400.

Submissions (2):

Myriad Genetics, Inc.
Classification: Benign for Multiple endocrine neoplasia type 2A. Last evaluated: 2025-02-26. Review status: criteria provided, single submitter. Criteria: Myriad Autosomal Dominant, Autosomal Recessive and X-Linked Classification Criteria (2023). Collection method: clinical testing. Allele origin: unknown.
Comment: This variant is considered benign. This variant is a silent/synonymous amino acid change and it is not expected to impact splicing.

Ambry Genetics
Classification: Likely benign for Hereditary cancer-predisposing syndrome. Last evaluated: 2020-11-01. Review status: criteria provided, single submitter. Criteria: Ambry Variant Classification Scheme 2023. Collection method: clinical testing. Allele origin: germline.